The following is an entry in ClinVar:

NM_001378457.1(DMXL2):c.4135G>A (p.Val1379Ile)

Gene: DMXL2 (Dmx like 2; minus strand). Cytogenetic location: 15q21.2.
Variant type: single nucleotide variant.
Coding change: c.4135G>A on transcript NM_001378457.1 (MANE Select); coding-DNA position 4135, G replaced by A.
Protein change: p.Val1379Ile; replaces valine 1379 with isoleucine.
Molecular consequence: missense variant. On other transcripts: non-coding transcript variant (2), intron variant (2).
Genome position (GRCh38, 1-based): chr15:51,499,089, C>T on the plus strand (G>A on the coding strand, the complement: DMXL2 is on the minus strand). VCF-style: chr15-51499089-C-T. GRCh37 (hg19) VCF-style: chr15-51791286-C-T.
Other names: c.4135G>A, p.Val1379Ile (NM_001174116.3, NM_001378458.1, NM_001378459.1 and 4 more transcripts); c.3895G>A, p.Val1299Ile (NM_001378464.1); c.2765-7342G>A (NM_001378460.1); c.2765-3955G>A (NM_001174117.3); short protein forms V1379I, V1299I.
Identifiers: ClinVar variation 1480019 (VCV001480019.8), dbSNP rs928589877, ClinGen allele CA270573823.

ClinVar aggregate classification (germline): Uncertain significance (1 of 4 stars; one submission).

Allele frequency attached by ClinVar (database versions not stated): TOPMed below 0.00001; gnomAD 0.00001; gnomAD exomes 0.00001 and 0.00002.
gnomAD v4.1: 12 of 1,613,880 alleles (0.00074%); highest among the groups gnomAD compares: East Asian, 0.0022%; no homozygotes.

Submission:

Labcorp Genetics (formerly Invitae), Labcorp
Classification: Uncertain significance. Last evaluated: 2021-04-06. Review status: criteria provided, single submitter. Criteria: Invitae Variant Classification Sherloc (09022015). Collection method: clinical testing. Allele origin: germline.
Comment: In summary, the available evidence is currently insufficient to determine the role of this variant in disease. Therefore, it has been classified as a Variant of Uncertain Significance. Algorithms developed to predict the effect of missense changes on protein structure and function are either unavailable or do not agree on the potential impact of this missense change (SIFT: "Tolerated"; PolyPhen-2: "Probably Damaging"; Align-GVGD: "Class C0"). This variant has not been reported in the literature in individuals with DMXL2-related conditions. This variant is not present in population databases (ExAC no frequency). This sequence change replaces valine with isoleucine at codon 1379 of the DMXL2 protein (p.Val1379Ile). The valine residue is moderately conserved and there is a small physicochemical difference between valine and isoleucine.